The following is an entry in ClinVar:

ClinVar aggregate classification (germline): Uncertain significance (1 of 4 stars; one submission).

Submission:

Labcorp Genetics (formerly Invitae), Labcorp
Classification: Uncertain significance. Last evaluated: 2020-01-11. Review status: criteria provided, single submitter. Criteria: Invitae Variant Classification Sherloc (09022015). Collection method: clinical testing. Allele origin: germline.
Comment: In summary, the available evidence is currently insufficient to determine the role of this variant in disease. Therefore, it has been classified as a Variant of Uncertain Significance. Algorithms developed to predict the effect of missense changes on protein structure and function (SIFT, PolyPhen-2, Align-GVGD) all suggest that this variant is likely to be tolerated, but these predictions have not been confirmed by published functional studies and their clinical significance is uncertain. This variant has not been reported in the literature in individuals with SMARCB1-related conditions. ClinVar contains an entry for this variant (Variation ID: 571583). This variant is not present in population databases (ExAC no frequency). This sequence change replaces glutamic acid with aspartic acid at codon 194 of the SMARCB1 protein (p.Glu194Asp). The glutamic acid residue is highly conserved and there is a small physicochemical difference between glutamic acid and aspartic acid.

NM_003073.5(SMARCB1):c.582G>C (p.Glu194Asp)

Gene: SMARCB1 (SWI/SNF related BAF chromatin remodeling complex subunit B1; plus strand). Cytogenetic location: 22q11.23.
Variant type: single nucleotide variant.
Coding change: c.582G>C on transcript NM_003073.5 (MANE Select); coding-DNA position 582, G replaced by C.
Protein change: p.Glu194Asp; replaces glutamic acid 194 with aspartic acid.
Molecular consequence: missense variant.
Genome position (GRCh38, 1-based): chr22:23,803,376, G>C. VCF-style: chr22-23803376-G-C. GRCh37 (hg19) VCF-style: chr22-24145563-G-C.
Other names: c.582G>C (LRG_520t1); c.555G>C, p.Glu185Asp (NM_001007468.3); c.609G>C, p.Glu203Asp (NM_001317946.2); c.636G>C, p.Glu212Asp (NM_001362877.2); short protein forms E194D, E185D, E203D, E212D.
Identifiers: ClinVar variation 571583 (VCV000571583.9), dbSNP rs759241720, ClinGen allele CA410935856.